The following is an entry in ClinVar:

ClinVar aggregate classification (germline): Uncertain significance (1 of 4 stars; one submission).

Conditions:
Hereditary cancer-predisposing syndrome. Also called: Neoplastic Syndromes, Hereditary; Tumor predisposition; Hereditary Cancer Syndrome; Hereditary neoplastic syndrome. Identifiers: Orphanet 140162, MedGen C0027672, MeSH D009386, MONDO:0015356.

Submission:

Ambry Genetics
Classification: Uncertain significance for Hereditary cancer-predisposing syndrome. Last evaluated: 2026-04-12. Review status: criteria provided, single submitter. Criteria: Ambry Variant Classification Scheme 2023. Collection method: clinical testing. Allele origin: germline.
Comment: The p.C526R variant (also known as c.1576T>C), located in coding exon 13 of the EGFR gene, results from a T to C substitution at nucleotide position 1576. The cysteine at codon 526 is replaced by arginine, an amino acid with highly dissimilar properties. This amino acid position is conserved. In addition, this alteration is predicted to be deleterious by in silico analysis. Based on the available evidence, the clinical significance of this variant remains unclear.

NM_005228.5(EGFR):c.1576T>C (p.Cys526Arg)

Gene: EGFR (epidermal growth factor receptor; plus strand). Cytogenetic location: 7p11.2.
Variant type: single nucleotide variant.
Coding change: c.1576T>C on transcript NM_005228.5 (MANE Select); coding-DNA position 1576, T replaced by C.
Protein change: p.Cys526Arg; replaces cysteine 526 with arginine.
Molecular consequence: missense variant.
Genome position (GRCh38, 1-based): chr7:55,161,576, T>C. VCF-style: chr7-55161576-T-C. GRCh37 (hg19) VCF-style: chr7-55229269-T-C.
Other names: c.1441T>C, p.Cys481Arg (NM_001346897.2, NM_001346899.2); c.1576T>C, p.Cys526Arg (NM_001346898.2, NM_201282.2, NM_201284.2); c.1417T>C, p.Cys473Arg (NM_001346900.2); c.775T>C, p.Cys259Arg (NM_001346941.2); short protein forms C259R, C473R, C481R, C526R.
Identifiers: ClinVar variation 4870246 (VCV004870246.1).